The following is an entry in ClinVar:

ClinVar aggregate classification (germline): Benign (1 of 4 stars; one submission).

Conditions:
Oligodontia-cancer predisposition syndrome. Also called: TOOTH AGENESIS-COLORECTAL CANCER SYNDROME. Identifiers: Orphanet 300576, MedGen C1837750, MONDO:0012075, OMIM 608615. Disease mechanism: loss of function.

Allele frequency attached by ClinVar (database versions not stated): gnomAD exomes below 0.00001.

Submission:

Myriad Genetics, Inc.
Classification: Benign for Oligodontia-cancer predisposition syndrome. Last evaluated: 2024-06-27. Review status: criteria provided, single submitter. Criteria: Myriad Autosomal Dominant, Autosomal Recessive and X-Linked Classification Criteria (2023). Collection method: clinical testing. Allele origin: unknown.
Comment: This variant is considered benign. This variant is a silent/synonymous amino acid change and it is not expected to impact splicing.

NM_004655.4(AXIN2):c.771C>T (p.Ala257=)

Gene: AXIN2 (axin 2; minus strand). Cytogenetic location: 17q24.1.
Variant type: single nucleotide variant.
Coding change: c.771C>T on transcript NM_004655.4 (MANE Select); coding-DNA position 771, C replaced by T.
Protein change: p.Ala257=; no amino-acid change (alanine 257 retained).
Molecular consequence: synonymous variant.
Genome position (GRCh38, 1-based): chr17:65,557,850, G>A on the plus strand (C>T on the coding strand, the complement: AXIN2 is on the minus strand). VCF-style: chr17-65557850-G-A. GRCh37 (hg19) VCF-style: chr17-63553968-G-A.
Other names: c.771C>T, p.Ala257= (NM_001363813.1).
Identifiers: ClinVar variation 3254294 (VCV003254294.1), dbSNP rs2044292868.